The following is an entry in ClinVar:

ClinVar aggregate classification (germline): Uncertain significance (1 of 4 stars; one submission).

Allele frequency attached by ClinVar (database versions not stated): gnomAD 0.00005 and 0.00006; TOPMed 0.00008; gnomAD exomes 0.00011 and 0.00014; 1000 Genomes Project 30x 0.00016; ExAC 0.00017; 1000 Genomes Project 0.00020.

Submission:

Labcorp Genetics (formerly Invitae), Labcorp
Classification: Uncertain significance. Last evaluated: 2023-08-04. Review status: criteria provided, single submitter. Criteria: Invitae Variant Classification Sherloc (09022015). Collection method: clinical testing. Allele origin: germline.
Comment: In summary, the available evidence is currently insufficient to determine the role of this variant in disease. Therefore, it has been classified as a Variant of Uncertain Significance. An algorithm developed to predict the effect of missense changes on protein structure and function (PolyPhen-2) suggests that this variant¬†is likely to be tolerated. ClinVar contains an entry for this variant (Variation ID: 1444611). This variant has not been reported in the literature in individuals affected with NDUFA11-related conditions. This variant is present in population databases (rs202097097, gnomAD 0.08%). This sequence change replaces alanine, which is neutral and non-polar, with threonine, which is neutral and polar, at codon 112 of the NDUFA11 protein (p.Ala112Thr).

NM_175614.5(NDUFA11):c.334G>A (p.Ala112Thr)

Gene: NDUFA11 (NADH:ubiquinone oxidoreductase subunit A11; minus strand). Cytogenetic location: 19p13.3.
Variant type: single nucleotide variant.
Coding change: c.334G>A on transcript NM_175614.5 (MANE Select); coding-DNA position 334, G replaced by A.
Protein change: p.Ala112Thr; replaces alanine 112 with threonine.
Molecular consequence: missense variant. On other transcripts: non-coding transcript variant (1), intron variant (1).
Genome position (GRCh38, 1-based): chr19:5,894,834, C>T on the plus strand (G>A on the coding strand, the complement: NDUFA11 is on the minus strand). VCF-style: chr19-5894834-C-T. GRCh37 (hg19) VCF-style: chr19-5894845-C-T.
Other names: c.314-1544G>A (NM_001193375.3); short protein forms A112T.
Identifiers: ClinVar variation 1444611 (VCV001444611.6), dbSNP rs202097097, ClinGen allele CA9118912.
Genomic context (GRCh38, chr19:5,894,834, plus strand): 5'-CCTCCAGCCGGCCCATCTTGACCAGGGAGGCCGCTATGCCAAAGTACACGCAGGCGGCGG[C>T]GCCAATCCCGTAGTTGTGCGCTGTGGGAGTGGGGAGGTGATGTCAGGCCCGGGTGGGGCT-3'
Protein context (NP_783313.1, residues 102-122): GARTHNYGIG[Ala112Thr]AACVYFGIAA